The following is an entry in ClinVar:

NM_006035.4(CDC42BPB):c.5003_5004del (p.Glu1668fs)

Gene: CDC42BPB (CDC42 binding protein kinase beta; minus strand). Cytogenetic location: 14q32.32.
Variant type: Microsatellite.
Coding change: c.5003_5004del on transcript NM_006035.4 (MANE Select); coding-DNA positions 5003 to 5004, 2 bases deleted (AG; older notation c.5003_5004delAG).
Protein change: p.Glu1668fs; shifts the reading frame from glutamic acid 1668.
Molecular consequence: frameshift variant.
Genome position (GRCh38, 1-based): chr14:102,938,104-102,938,105, CT deleted on the plus strand (AG on the coding strand, the reverse complement: CDC42BPB is on the minus strand); deleting any 2 consecutive bases within chr14:102,938,104-102,938,107 gives the same sequence; the c. name uses the placement nearest the transcript's 3' end. VCF-style (leftmost placement, unchanged base first): chr14-102938103-CCT-C. GRCh37 (hg19) VCF-style: chr14-103404440-CCT-C.
Other names: c.4925_4926del, p.Glu1642fs (NM_001411054.1); short protein forms E1642fs, E1668fs.
Identifiers: ClinVar variation 4532769 (VCV004532769.1).

ClinVar aggregate classification (germline): Uncertain significance (1 of 4 stars; one submission).

Submission:

GeneDx
Classification: Uncertain significance. Last evaluated: 2025-05-29. Review status: criteria provided, single submitter. Criteria: GeneDx Variant Classification Process June 2021. Collection method: clinical testing. Allele origin: germline. Affected: yes.
Comment: Not observed at significant frequency in large population cohorts (gnomAD); Frameshift variant predicted to result in abnormal protein length as the last 44 amino acids are replaced with 1 different amino acid with an unclear effect on protein function; Has not been previously published as pathogenic or benign to our knowledge